The following is an entry in ClinVar:

ClinVar aggregate classification (germline): Uncertain significance (1 of 4 stars; one submission).

Submission:

Labcorp Genetics (formerly Invitae), Labcorp
Classification: Uncertain significance. Last evaluated: 2025-08-01. Review status: criteria provided, single submitter. Criteria: Invitae Variant Classification Sherloc (09022015). Collection method: clinical testing. Allele origin: germline.
Comment: This sequence change replaces threonine, which is neutral and polar, with alanine, which is neutral and non-polar, at codon 86 of the USP27X protein (p.Thr86Ala). This variant is not present in population databases (gnomAD no frequency). This variant has not been reported in the literature in individuals affected with USP27X-related conditions. Invitae Evidence Modeling of protein sequence and biophysical properties (such as structural, functional, and spatial information, amino acid conservation, physicochemical variation, residue mobility, and thermodynamic stability) indicates that this missense variant is expected to disrupt USP27X protein function with a positive predictive value of 80%. In summary, the available evidence is currently insufficient to determine the role of this variant in disease. Therefore, it has been classified as a Variant of Uncertain Significance.

NM_001145073.3(USP27X):c.256A>G (p.Thr86Ala)

Gene: USP27X (ubiquitin specific peptidase 27 X-linked; plus strand). Cytogenetic location: Xp11.23.
Variant type: single nucleotide variant.
Coding change: c.256A>G on transcript NM_001145073.3 (MANE Select); coding-DNA position 256, A replaced by G.
Protein change: p.Thr86Ala; replaces threonine 86 with alanine.
Molecular consequence: missense variant.
Genome position (GRCh38, 1-based): chrX:49,880,563, A>G. VCF-style: chrX-49880563-A-G. GRCh37 (hg19) VCF-style: chrX-49645166-A-G.
Other names: short protein forms T86A.
Identifiers: ClinVar variation 4741866 (VCV004741866.1).